The following is an entry in ClinVar:

ClinVar aggregate classification (germline): Uncertain significance (1 of 4 stars; one submission).

Conditions:
Ataxia-telangiectasia syndrome (AT). Also called: ATAXIA-TELANGIECTASIA, COMPLEMENTATION GROUP A; ATAXIA-TELANGIECTASIA, FRESNO VARIANT; Ataxia-telangiectasia; Ataxia-telangiectasia, complementation group D; AT, COMPLEMENTATION GROUP C; Ataxia-telangiectasia, complementation group E. Identifiers: Orphanet 100, MedGen C0004135, MONDO:0008840, OMIM 208900.

Submission:

Labcorp Genetics (formerly Invitae), Labcorp
Classification: Uncertain significance for Ataxia-telangiectasia syndrome. Last evaluated: 2019-06-06. Review status: criteria provided, single submitter. Criteria: Invitae Variant Classification Sherloc (09022015). Collection method: clinical testing. Allele origin: germline.
Comment: This sequence change replaces methionine with isoleucine at codon 1349 of the ATM protein (p.Met1349Ile). The methionine residue is highly conserved and there is a small physicochemical difference between methionine and isoleucine. In summary, the available evidence is currently insufficient to determine the role of this variant in disease. Therefore, it has been classified as a Variant of Uncertain Significance. Algorithms developed to predict the effect of missense changes on protein structure and function do not agree on the potential impact of this missense change (SIFT: "Tolerated"; PolyPhen-2: "Probably Damaging"; Align-GVGD: "Class C0"). This variant has not been reported in the literature in individuals with ATM-related disease. This variant is not present in population databases (ExAC no frequency).

NM_000051.4(ATM):c.4047G>T (p.Met1349Ile)

Gene: ATM (ATM serine/threonine kinase; plus strand). Cytogenetic location: 11q22.3.
Variant type: single nucleotide variant.
Coding change: c.4047G>T on transcript NM_000051.4 (MANE Select); coding-DNA position 4047, G replaced by T.
Protein change: p.Met1349Ile; replaces methionine 1349 with isoleucine.
Molecular consequence: missense variant.
Genome position (GRCh38, 1-based): chr11:108,287,653, G>T. VCF-style: chr11-108287653-G-T. GRCh37 (hg19) VCF-style: chr11-108158380-G-T.
Other names: c.4047G>T, p.Met1349Ile (NM_001351834.2); short protein forms M1349I.
Identifiers: ClinVar variation 524416 (VCV000524416.9), dbSNP rs1555095931, ClinGen allele CA382527861.